The following is an entry in ClinVar:

ClinVar aggregate classification (germline): Uncertain significance (1 of 4 stars; one submission).

Allele frequency attached by ClinVar (database versions not stated): TOPMed below 0.00001; gnomAD 0.00001; gnomAD exomes 0.00001.
gnomAD v4.1: 12 of 1,589,778 alleles (0.00075%); highest among the groups gnomAD compares: South Asian, 0.0011%; no homozygotes.

Submission:

Labcorp Genetics (formerly Invitae), Labcorp
Classification: Uncertain significance. Last evaluated: 2024-12-09. Review status: criteria provided, single submitter. Criteria: Invitae Variant Classification Sherloc (09022015). Collection method: clinical testing. Allele origin: germline.
Comment: This sequence change replaces proline, which is neutral and non-polar, with leucine, which is neutral and non-polar, at codon 2179 of the HIVEP2 protein (p.Pro2179Leu). This variant is not present in population databases (gnomAD no frequency). This variant has not been reported in the literature in individuals affected with HIVEP2-related conditions. ClinVar contains an entry for this variant (Variation ID: 2111642). An algorithm developed to predict the effect of missense changes on protein structure and function (PolyPhen-2) suggests that this variant is likely to be disruptive. In summary, the available evidence is currently insufficient to determine the role of this variant in disease. Therefore, it has been classified as a Variant of Uncertain Significance.

NM_006734.4(HIVEP2):c.6536C>T (p.Pro2179Leu)

Gene: HIVEP2 (HIVEP zinc finger 2; minus strand). Cytogenetic location: 6q24.2.
Variant type: single nucleotide variant.
Coding change: c.6536C>T on transcript NM_006734.4 (MANE Select); coding-DNA position 6536, C replaced by T.
Protein change: p.Pro2179Leu; replaces proline 2179 with leucine.
Molecular consequence: missense variant.
Genome position (GRCh38, 1-based): chr6:142,753,912, G>A on the plus strand (C>T on the coding strand, the complement: HIVEP2 is on the minus strand). VCF-style: chr6-142753912-G-A. GRCh37 (hg19) VCF-style: chr6-143075049-G-A.
Other names: short protein forms P2179L.
Identifiers: ClinVar variation 2111642 (VCV002111642.4), dbSNP rs1774996207, ClinGen allele CA365942281.